The following is an entry in ClinVar:

NM_006446.5(SLCO1B1):c.1929A>C (p.Leu643Phe)

Gene: SLCO1B1 (solute carrier organic anion transporter family member 1B1; plus strand). Cytogenetic location: 12p12.1.
Variant type: single nucleotide variant.
Coding change: c.1929A>C on transcript NM_006446.5 (MANE Select); coding-DNA position 1929, A replaced by C.
Protein change: p.Leu643Phe; replaces leucine 643 with phenylalanine.
Molecular consequence: missense variant.
Genome position (GRCh38, 1-based): chr12:21,239,042, A>C. VCF-style: chr12-21239042-A-C. GRCh37 (hg19) VCF-style: chr12-21391976-A-C.
Other names: c.1929A>C (LRG_1022t1); short protein forms L643F.
Identifiers: ClinVar variation 307959 (VCV000307959.23), dbSNP rs34671512, ClinGen allele CA6477225.
Genomic context (GRCh38, chr12:21,239,042, plus strand): 5'-GGTCTACTTGGGCTTGTCTTCAATGTTAAGAGTCTCATCACTTGTTTTATATATTATATT[A>C]ATTTATGCCATGAAGAAAAAATATCAAGAGAAAGATATCAATGCATCAGAAAATGGAAGT-3'
Protein context (NP_006437.3, residues 633-653): RVSSLVLYII[Leu643Phe]IYAMKKKYQE

ClinVar aggregate classification (germline): Benign. Review status: criteria provided, multiple submitters, no conflicts (2 of 4 stars). 5 submissions from 5 submitters: Benign (4). 1 of the submissions does not count toward it. Last evaluated 2025-07-24.

Conditions:
SLCO1B1-related disorder. Also called: SLCO1B1-related condition.
Rotor syndrome (HBLRR). Also called: HYPERBILIRUBINEMIA, ROTOR TYPE, DIGENIC; HYPERBILIRUBINEMIA, ROTOR TYPE. Identifiers: Orphanet 3111, MedGen C0220991, MONDO:0009379, OMIM 237450.

Allele frequency attached by ClinVar (database versions not stated): 1000 Genomes Project 0.04433; 1000 Genomes Project 30x 0.04466; gnomAD exomes 0.04530 and 0.04995; ExAC 0.04632; gnomAD 0.05300 and 0.05414; TOPMed 0.05388; ESP Exome Variant Server 0.05845.
gnomAD v4.1: 80,149 of 1,592,164 alleles (5%); highest among the groups gnomAD compares: African/African-American, 6.5%; 2,239 homozygotes.

Submissions (5):

ARUP Laboratories, Molecular Genetics and Genomics, ARUP Laboratories
Classification: Benign for Rotor syndrome. Last evaluated: 2025-07-24. Review status: criteria provided, single submitter. Criteria: ARUP Molecular Germline Variant Investigation Process 2024. Collection method: clinical testing. Allele origin: germline.

GeneDx
Classification: Benign. Last evaluated: 2021-05-05. Review status: criteria provided, single submitter. Criteria: GeneDx Variant Classification Process June 2021. Collection method: clinical testing. Allele origin: germline. Affected: yes.
Comment: This variant is associated with the following publications: (PMID: 22147369)

Illumina Laboratory Services, Illumina
Classification: Benign for Rotor syndrome. Last evaluated: 2018-03-06. Review status: criteria provided, single submitter. Criteria: ICSL Variant Classification Criteria 13 December 2019. Collection method: clinical testing. Allele origin: germline.
Comment: This variant was observed in the ICSL laboratory as part of a predisposition screen in an ostensibly healthy population. It had not been previously curated by ICSL or reported in the Human Gene Mutation Database (HGMD: prior to June 1st, 2018), and was therefore a candidate for classification through an automated scoring system. Utilizing variant allele frequency, disease prevalence and penetrance estimates, and inheritance mode, an automated score was calculated to assess if this variant is too frequent to cause the disease. Based on the score and internal cut-off values, a variant classified as benign is not then subjected to further curation. The score for this variant resulted in a classification of benign for this disease.

Breakthrough Genomics
Classification: Benign. Review status: criteria provided, single submitter. Criteria: ACMG Guidelines, 2015. Collection method: not provided. Allele origin: germline. Inheritance: Autosomal recessive inheritance. Affected: yes.

PreventionGenetics, part of Exact Sciences
Classification: Likely benign for SLCO1B1-related condition. Last evaluated: 2021-07-21. Review status: no assertion criteria provided. Collection method: clinical testing. Allele origin: germline. Not counted in ClinVar's aggregate classification.
Comment: This variant is classified as likely benign based on ACMG/AMP sequence variant interpretation guidelines (Richards et al. 2015 PMID: 25741868, with internal and published modifications).